The following is an entry in ClinVar:

ClinVar aggregate classification (germline): Uncertain significance. Review status: criteria provided, multiple submitters, no conflicts (2 of 4 stars). 3 submissions from 3 submitters: Uncertain significance (3). Last evaluated 2026-01-12.

Conditions:
Cardiovascular phenotype. Identifiers: MedGen CN230736.
Dilated cardiomyopathy 1J (CMD1J). Also called: CARDIOMYOPATHY, DILATED, WITH SENSORINEURAL HEARING LOSS, AUTOSOMAL DOMINANT. Identifiers: Orphanet 217622, MedGen C1854368, MONDO:0011541, OMIM 605362.

Allele frequency attached by ClinVar (database versions not stated): ExAC 0.00001; gnomAD 0.00002 and 0.00003; gnomAD exomes 0.00002; TOPMed 0.00002; ESP Exome Variant Server 0.00008.
gnomAD v4.1: 31 of 1,612,982 alleles (0.0019%); highest among the groups gnomAD compares: African/African-American, 0.0053%; no homozygotes.

Submissions (3):

Labcorp Genetics (formerly Invitae), Labcorp
Classification: Uncertain significance for Dilated cardiomyopathy 1J. Last evaluated: 2026-01-12. Review status: criteria provided, single submitter. Criteria: Invitae Variant Classification Sherloc (09022015). Collection method: clinical testing. Allele origin: germline.
Comment: This sequence change replaces asparagine, which is neutral and polar, with aspartic acid, which is acidic and polar, at codon 321 of the EYA4 protein (p.Asn321Asp). This variant is present in population databases (rs202049252, gnomAD 0.007%). This variant has not been reported in the literature in individuals affected with EYA4-related conditions. ClinVar contains an entry for this variant (Variation ID: 653594). Invitae Evidence Modeling of protein sequence and biophysical properties (such as structural, functional, and spatial information, amino acid conservation, physicochemical variation, residue mobility, and thermodynamic stability) indicates that this missense variant is not expected to disrupt EYA4 protein function with a negative predictive value of 80%. In summary, the available evidence is currently insufficient to determine the role of this variant in disease. Therefore, it has been classified as a Variant of Uncertain Significance.

GeneDx
Classification: Uncertain significance. Last evaluated: 2024-05-07. Review status: criteria provided, single submitter. Criteria: GeneDx Variant Classification Process June 2021. Collection method: clinical testing. Allele origin: germline. Affected: yes.
Comment: Not observed at significant frequency in large population cohorts (gnomAD); In silico analysis indicates that this missense variant does not alter protein structure/function; Has not been previously published as pathogenic or benign to our knowledge

Ambry Genetics
Classification: Uncertain significance for Cardiovascular phenotype. Last evaluated: 2023-06-12. Review status: criteria provided, single submitter. Criteria: Ambry Variant Classification Scheme 2023. Collection method: clinical testing. Allele origin: germline.
Comment: The p.N321D variant (also known as c.961A>G), located in coding exon 10 of the EYA4 gene, results from an A to G substitution at nucleotide position 961. The asparagine at codon 321 is replaced by aspartic acid, an amino acid with highly similar properties. This amino acid position is poorly conserved in available vertebrate species. In addition, this alteration is predicted to be tolerated by in silico analysis. Since supporting evidence is limited at this time, the clinical significance of this alteration remains unclear.

NM_004100.5(EYA4):c.961A>G (p.Asn321Asp)

Gene: EYA4 (EYA transcriptional coactivator and phosphatase 4; plus strand). Cytogenetic location: 6q23.2.
Variant type: single nucleotide variant.
Coding change: c.961A>G on transcript NM_004100.5 (MANE Select); coding-DNA position 961, A replaced by G.
Protein change: p.Asn321Asp; replaces asparagine 321 with aspartic acid.
Molecular consequence: missense variant.
Genome position (GRCh38, 1-based): chr6:133,468,722, A>G. VCF-style: chr6-133468722-A-G. GRCh37 (hg19) VCF-style: chr6-133789860-A-G.
Other names: c.799A>G, p.Asn267Asp (NM_001301012.2, NM_001370459.1); c.961A>G, p.Asn321Asp (NM_001301013.2, NM_172105.4); c.892A>G, p.Asn298Asp (NM_001370458.1, NM_172103.4); short protein forms N267D, N298D, N321D.
Identifiers: ClinVar variation 653594 (VCV000653594.18), dbSNP rs202049252, ClinGen allele CA4008194.
Genomic context (GRCh38, chr6:133,468,722, plus strand): 5'-GATGGCACACCCTCTTCAACCTCTACTTATCAGTTGCAGGAATCTCTCCCAGGACTGACT[A>G]ACCAACCAGGTACAGATCTTCACCCAGGTGAAATACTTTTATATGTTTTGCAATATCTAA-3'
Protein context (NP_004091.3, residues 311-331): QLQESLPGLT[Asn321Asp]QPGEFDTMQS